The following is an entry in ClinVar:

NM_015338.6(ASXL1):c.2068_2069del (p.Asp690fs)

Gene: ASXL1 (ASXL transcriptional regulator 1; plus strand). Cytogenetic location: 20q11.21.
Variant type: Deletion.
Coding change: c.2068_2069del on transcript NM_015338.6 (MANE Select); coding-DNA positions 2068 to 2069, 2 bases deleted (GA; older notation c.2068_2069delGA).
Protein change: p.Asp690fs; shifts the reading frame from aspartic acid 690.
Molecular consequence: frameshift variant.
Genome position (GRCh38, 1-based): chr20:32,434,780-32,434,781, GA deleted; deleting any 2 consecutive bases within chr20:32,434,779-32,434,781 gives the same sequence; the c. name uses the placement nearest the transcript's 3' end. VCF-style (leftmost placement, unchanged base first): chr20-32434778-CAG-C. GRCh37 (hg19) VCF-style: chr20-31022581-CAG-C.
Other names: c.1885_1886del, p.Asp629fs (NM_001363734.1); short protein forms D629fs, D690fs.
Identifiers: ClinVar variation 1705316 (VCV001705316.1), dbSNP rs2515557358, ClinGen allele CA2580098102.

ClinVar aggregate classification (germline): Likely pathogenic (1 of 4 stars; one submission).

Conditions:
Myelodysplastic syndrome (MDS). Also called: MYELODYSPLASTIC SYNDROME, SUSCEPTIBILITY TO; Myelodysplastic syndrome, somatic; Myelodysplastic syndromes. Identifiers: Orphanet 52688, MedGen C3463824, MeSH D009190, MONDO:0018881, OMIM 614286.

Submission:

3billion
Classification: Likely pathogenic for Myelodysplastic syndrome. Last evaluated: 2022-09-01. Review status: criteria provided, single submitter. Criteria: ACMG Guidelines, 2015. Collection method: clinical testing. Allele origin: germline. Affected: yes. Observed: 1 heterozygote.
Comment: The variant is not observed in the gnomAD v2.1.1 dataset. It is predicted to result in a loss or disruption of normal protein function through protein truncation. The predicted truncated protein may be shortened by more than 10%. Therefore, this variant is classified as Likely pathogenic according to the recommendation of ACMG/AMP guideline.